The following is an entry in ClinVar:

ClinVar aggregate classification (germline): Uncertain significance (1 of 4 stars; one submission).

Allele frequency attached by ClinVar (database versions not stated): gnomAD exomes below 0.00001; TOPMed 0.00001.
gnomAD v4.1: 3 of 1,614,148 alleles (0.00019%); highest among the groups gnomAD compares: South Asian, 0.0011%; no homozygotes.

Submission:

GeneDx
Classification: Uncertain significance. Last evaluated: 2022-07-31. Review status: criteria provided, single submitter. Criteria: GeneDx Variant Classification Process June 2021. Collection method: clinical testing. Allele origin: germline. Affected: yes.
Comment: Not observed at significant frequency in large population cohorts (gnomAD); In silico analysis supports that this missense variant has a deleterious effect on protein structure/function; Has not been previously published as pathogenic or benign to our knowledge

NM_001961.4(EEF2):c.1001C>T (p.Pro334Leu)

Gene: EEF2 (eukaryotic translation elongation factor 2; minus strand). Cytogenetic location: 19p13.3.
Variant type: single nucleotide variant.
Coding change: c.1001C>T on transcript NM_001961.4 (MANE Select); coding-DNA position 1001, C replaced by T.
Protein change: p.Pro334Leu; replaces proline 334 with leucine.
Molecular consequence: missense variant.
Genome position (GRCh38, 1-based): chr19:3,981,349, G>A on the plus strand (C>T on the coding strand, the complement: EEF2 is on the minus strand). VCF-style: chr19-3981349-G-A. GRCh37 (hg19) VCF-style: chr19-3981347-G-A.
Other names: short protein forms P334L.
Identifiers: ClinVar variation 1699517 (VCV001699517.2), dbSNP rs2039744396, ClinGen allele CA403393617.